The following is an entry in ClinVar:

NM_000038.6(APC):c.7820C>T (p.Ser2607Phe)

Gene: APC (APC regulator of Wnt signaling pathway; plus strand). Cytogenetic location: 5q22.2.
Variant type: single nucleotide variant.
Coding change: c.7820C>T on transcript NM_000038.6 (MANE Select); coding-DNA position 7820, C replaced by T.
Protein change: p.Ser2607Phe; replaces serine 2607 with phenylalanine.
Molecular consequence: missense variant. On other transcripts: non-coding transcript variant (2).
Genome position (GRCh38, 1-based): chr5:112,843,414, C>T. VCF-style: chr5-112843414-C-T. GRCh37 (hg19) VCF-style: chr5-112179111-C-T.
Other names: c.7874C>T, p.Ser2625Phe (NM_001407448.1, NM_001407449.1, NM_001354896.2 and 1 more transcripts); c.7820C>T, p.Ser2607Phe (NM_001407450.1, NM_001127510.3, NM_001354895.2); c.7799C>T, p.Ser2600Phe (NM_001407451.1); c.7790C>T, p.Ser2597Phe (NM_001407452.1); c.7643C>T, p.Ser2548Phe (NM_001407453.1, NM_001354901.2); c.7571C>T, p.Ser2524Phe (NM_001407454.1, NM_001407455.1, NM_001407456.1 and 1 more transcripts); c.7517C>T, p.Ser2506Phe (NM_001407458.1, NM_001407459.1, NM_001407460.1 and 1 more transcripts); c.7433C>T, p.Ser2478Phe (NM_001407467.1, NM_001407469.1); and 11 more; short protein forms S2447F, S2516F, S2597F, S2617F, S2625F, S2524F, S2548F, S2566F.
Identifiers: ClinVar variation 3668723 (VCV003668723.2).

ClinVar aggregate classification (germline): Uncertain significance (1 of 4 stars; one submission).

Conditions:
Familial adenomatous polyposis 1 (FAP1). Also called: FAMILIAL ADENOMATOUS POLYPOSIS 1, ATTENUATED; POLYPOSIS, ADENOMATOUS INTESTINAL. Identifiers: MedGen C2713442, MONDO:0021056, OMIM 175100. Disease mechanism: loss of function.

Submission:

Labcorp Genetics (formerly Invitae), Labcorp
Classification: Uncertain significance for Familial adenomatous polyposis 1. Last evaluated: 2024-03-19. Review status: criteria provided, single submitter. Criteria: Invitae Variant Classification Sherloc (09022015). Collection method: clinical testing. Allele origin: germline.
Comment: This sequence change replaces serine, which is neutral and polar, with phenylalanine, which is neutral and non-polar, at codon 2607 of the APC protein (p.Ser2607Phe). This variant is not present in population databases (gnomAD no frequency). This variant has not been reported in the literature in individuals affected with APC-related conditions. Advanced modeling of protein sequence and biophysical properties (such as structural, functional, and spatial information, amino acid conservation, physicochemical variation, residue mobility, and thermodynamic stability) performed at Invitae indicates that this missense variant is not expected to disrupt APC protein function with a negative predictive value of 95%. In summary, the available evidence is currently insufficient to determine the role of this variant in disease. Therefore, it has been classified as a Variant of Uncertain Significance.